The following is an entry in ClinVar:

NM_001498.4(GCLC):c.948A>T (p.Pro316=)

Gene: GCLC (glutamate-cysteine ligase catalytic subunit; minus strand). Cytogenetic location: 6p12.1.
Variant type: single nucleotide variant.
Coding change: c.948A>T on transcript NM_001498.4 (MANE Select); coding-DNA position 948, A replaced by T.
Protein change: p.Pro316=; no amino-acid change (proline 316 retained).
Molecular consequence: synonymous variant.
Genome position (GRCh38, 1-based): chr6:53,507,616, T>A on the plus strand (A>T on the coding strand, the complement: GCLC is on the minus strand). VCF-style: chr6-53507616-T-A. GRCh37 (hg19) VCF-style: chr6-53372414-T-A.
Other names: c.834A>T, p.Pro278= (NM_001197115.2).
Identifiers: ClinVar variation 3036503 (VCV003036503.4), dbSNP rs201680153, ClinGen allele CA3860203.
Genomic context (GRCh38, chr6:53,507,616, plus strand): 5'-TAAATAGCTGTCTATTGAGTCATATCGGGATTTACTGATCCTATAGTTATTGTTCTTCAA[T>A]GGCTAAAGATTAAAAATATATATAAATGAATATGCTATATAAAATGAGTGGAATATATTT-3'
Protein context (NP_001489.1, residues 306-326): DRTREERGLE[Pro316=]LKNNNYRISK

ClinVar aggregate classification (germline): Likely benign. Review status: criteria provided, multiple submitters, no conflicts (2 of 4 stars). 3 submissions from 3 submitters: Likely benign (2). 1 of the submissions does not count toward it. Last evaluated 2025-12-02.

Conditions:
GCLC-related disorder. Also called: GCLC-related condition.

Submissions (3):

Labcorp Genetics (formerly Invitae), Labcorp
Classification: Likely benign. Last evaluated: 2025-12-02. Review status: criteria provided, single submitter. Criteria: Invitae Variant Classification Sherloc (09022015). Collection method: clinical testing. Allele origin: germline.

ARUP Laboratories, Molecular Genetics and Genomics, ARUP Laboratories
Classification: Likely benign. Last evaluated: 2024-03-04. Review status: criteria provided, single submitter. Criteria: ARUP Molecular Germline Variant Investigation Process 2024. Collection method: clinical testing. Allele origin: germline.

PreventionGenetics, part of Exact Sciences
Classification: Likely benign for GCLC-related condition. Last evaluated: 2021-09-23. Review status: no assertion criteria provided. Collection method: clinical testing. Allele origin: germline. Not counted in ClinVar's aggregate classification.
Comment: This variant is classified as likely benign based on ACMG/AMP sequence variant interpretation guidelines (Richards et al. 2015 PMID: 25741868, with internal and published modifications).